The following is an entry in ClinVar:

NM_000447.3(PSEN2):c.842C>A (p.Ala281Asp)

Gene: PSEN2 (presenilin 2; plus strand). Cytogenetic location: 1q42.13.
Variant type: single nucleotide variant.
Coding change: c.842C>A on transcript NM_000447.3 (MANE Select); coding-DNA position 842, C replaced by A.
Protein change: p.Ala281Asp; replaces alanine 281 with aspartic acid.
Molecular consequence: missense variant.
Genome position (GRCh38, 1-based): chr1:226,890,089, C>A. VCF-style: chr1-226890089-C-A. GRCh37 (hg19) VCF-style: chr1-227077790-C-A.
Other names: c.842C>A, p.Ala281Asp (NM_012486.3); short protein forms A281D.
Identifiers: ClinVar variation 3008031 (VCV003008031.3), dbSNP rs1661641173, ClinGen allele CA345041996.
Genomic context (GRCh38, chr1:226,890,089, plus strand): 5'-TCCTAGATCTCGTGGCTGTGCTGTGTCCCAAAGGGCCTCTGAGAATGCTGGTAGAAACTG[C>A]CCAGGAGAGAAATGAGCCCATATTCCCTGCCCTGATATACTCATGTGAGTGAGCCCCCCG-3'
Protein context (NP_000438.2, residues 271-291): KGPLRMLVET[Ala281Asp]QERNEPIFPA

ClinVar aggregate classification (germline): Uncertain significance (1 of 4 stars; one submission).

Conditions:
Alzheimer disease 4 (AD4). Identifiers: Orphanet 1020, MedGen C1847200, MONDO:0011743, OMIM 606889.

Submission:

Labcorp Genetics (formerly Invitae), Labcorp
Classification: Uncertain significance for Alzheimer disease 4. Last evaluated: 2024-01-21. Review status: criteria provided, single submitter. Criteria: Invitae Variant Classification Sherloc (09022015). Collection method: clinical testing. Allele origin: germline.
Comment: This sequence change replaces alanine, which is neutral and non-polar, with aspartic acid, which is acidic and polar, at codon 281 of the PSEN2 protein (p.Ala281Asp). This variant is not present in population databases (gnomAD no frequency). This variant has not been reported in the literature in individuals affected with PSEN2-related conditions. Advanced modeling of protein sequence and biophysical properties (such as structural, functional, and spatial information, amino acid conservation, physicochemical variation, residue mobility, and thermodynamic stability) performed at Invitae indicates that this missense variant is expected to disrupt PSEN2 protein function with a positive predictive value of 80%. In summary, the available evidence is currently insufficient to determine the role of this variant in disease. Therefore, it has been classified as a Variant of Uncertain Significance.